The following is an entry in ClinVar:

ClinVar aggregate classification (germline): Conflicting classifications of pathogenicity. Review status: criteria provided, conflicting classifications (1 of 4 stars). 3 submissions from 3 submitters: Uncertain significance (2); Likely benign (1). Last evaluated 2026-08-14.

Conditions:
Multiple endocrine neoplasia, type 2 (MEN2). Identifiers: Orphanet 653, MedGen C4048306, MONDO:0019003. Disease mechanism: gain of function.
RET-related disorder. Also called: RET-related disorders; RET-related condition; RET-related disease.
Hereditary cancer-predisposing syndrome. Also called: Neoplastic Syndromes, Hereditary; Tumor predisposition; Hereditary neoplastic syndrome; Hereditary Cancer Syndrome. Identifiers: Orphanet 140162, MedGen C0027672, MeSH D009386, MONDO:0015356.

Submissions (3):

PreventionGenetics, part of Exact Sciences
Classification: Uncertain significance for RET-related condition. Last evaluated: 2026-08-14. Review status: criteria provided, single submitter. Criteria: ACMG Guidelines, 2015. Collection method: clinical testing. Allele origin: germline.
Comment: The RET c.56_58dupTGC variant is predicted to result in an in-frame duplication (p.Leu19dup). To our knowledge, this variant has not been reported in the literature. This variant is reported in 0.0025% of alleles in individuals of European (Non-Finnish) descent in gnomAD. This variant has conflicting interpretations in ClinVar ranging from uncertain significance to likely benign (Variation ID: 648453). At this time, the clinical significance of this variant is uncertain due to the absence of conclusive functional and genetic evidence.

Labcorp Genetics (formerly Invitae), Labcorp
Classification: Uncertain significance for Multiple endocrine neoplasia, type 2. Last evaluated: 2026-01-17. Review status: criteria provided, single submitter. Criteria: Invitae Variant Classification Sherloc (09022015). Collection method: clinical testing. Allele origin: germline.
Comment: This variant, c.56_58dup, results in the insertion of 1 amino acid(s) of the RET protein (p.Leu19dup), but otherwise preserves the integrity of the reading frame. The frequency data for this variant in the population databases is considered unreliable, as metrics indicate poor data quality at this position in the gnomAD database. This variant has not been reported in the literature in individuals affected with RET-related conditions. Experimental studies and prediction algorithms are not available or were not evaluated, and the functional significance of this variant is currently unknown. In summary, the available evidence is currently insufficient to determine the role of this variant in disease. Therefore, it has been classified as a Variant of Uncertain Significance.

Ambry Genetics
Classification: Likely benign for Hereditary cancer-predisposing syndrome. Last evaluated: 2022-06-15. Review status: criteria provided, single submitter. Criteria: Ambry Variant Classification Scheme 2023. Collection method: clinical testing. Allele origin: germline.

NM_020975.6(RET):c.44TGC[6] (p.Leu19_Pro20insLeu)

Gene: RET (ret proto-oncogene; plus strand). Cytogenetic location: 10q11.21.
Variant type: Microsatellite.
Coding change: c.44TGC[6] on transcript NM_020975.6 (MANE Select); six copies in a row of the 3-base unit TGC starting at c.44; the reference has five copies in a row; one copy, 3 bases duplicated.
Protein change: p.Leu19_Pro20insLeu.
Molecular consequence: inframe insertion. On other transcripts: inframe indel (43).
Genome position (GRCh38, 1-based): chr10:43,077,314-43,077,316, TGC duplicated; duplicating any 3 consecutive bases within chr10:43,077,302-43,077,316 gives the same sequence; the position shown is the placement nearest the transcript's 3' end. VCF-style (leftmost placement, unchanged base first): chr10-43077301-T-TTGC. GRCh37 (hg19) VCF-style: chr10-43572749-T-TTGC.
Other names: c.44_46TGC[6], p.Leu19_Pro20insLeu (NM_000323.2, NM_001406743.1, NM_001406744.1 and 39 more transcripts); c.56_58dupTGC (NM_020975.4).
Identifiers: ClinVar variation 648453 (VCV000648453.12), dbSNP rs768132465, ClinGen allele CA593179000.